The following is an entry in ClinVar:

ClinVar aggregate classification (germline): Uncertain significance. Review status: criteria provided, multiple submitters, no conflicts (2 of 4 stars). 2 submissions from 2 submitters: Uncertain significance (2). Last evaluated 2026-03-17.

Conditions:
Inborn genetic diseases. Identifiers: MedGen C0950123, MeSH D030342.

gnomAD v4.1: 1 of 1,613,612 alleles (0.000062%); highest among the groups gnomAD compares: African/African-American, 0.0013%; no homozygotes.

Submissions (2):

Ambry Genetics
Classification: Uncertain significance for Inborn genetic diseases. Last evaluated: 2026-03-17. Review status: criteria provided, single submitter. Criteria: Ambry Variant Classification Scheme 2023. Collection method: clinical testing. Allele origin: germline.

Labcorp Genetics (formerly Invitae), Labcorp
Classification: Uncertain significance. Last evaluated: 2025-05-03. Review status: criteria provided, single submitter. Criteria: Invitae Variant Classification Sherloc (09022015). Collection method: clinical testing. Allele origin: germline.
Comment: This sequence change replaces proline, which is neutral and non-polar, with threonine, which is neutral and polar, at codon 869 of the COL4A3 protein (p.Pro869Thr). This variant is not present in population databases (gnomAD no frequency). This variant has not been reported in the literature in individuals affected with COL4A3-related conditions. Invitae Evidence Modeling of protein sequence and biophysical properties (such as structural, functional, and spatial information, amino acid conservation, physicochemical variation, residue mobility, and thermodynamic stability) has been performed for this missense variant. However, the output from this modeling did not meet the statistical confidence thresholds required to predict the impact of this variant on COL4A3 protein function. In summary, the available evidence is currently insufficient to determine the role of this variant in disease. Therefore, it has been classified as a Variant of Uncertain Significance.

NM_000091.5(COL4A3):c.2605C>A (p.Pro869Thr)

Genes: COL4A3 (collagen type IV alpha 3 chain; plus strand), MFF-DT (MFF divergent transcript; minus strand). Cytogenetic location: 2q36.3.
Variant type: single nucleotide variant.
Coding change: c.2605C>A on transcript NM_000091.5 (MANE Select); coding-DNA position 2605, C replaced by A.
Protein change: p.Pro869Thr; replaces proline 869 with threonine.
Molecular consequence: missense variant.
Genome position (GRCh38, 1-based): chr2:227,282,481, C>A. VCF-style: chr2-227282481-C-A. GRCh37 (hg19) VCF-style: chr2-228147197-C-A.
Other names: short protein forms P869T.
Identifiers: ClinVar variation 4751926 (VCV004751926.2).